The following is an entry in ClinVar:

ClinVar aggregate classification (germline): Benign/Likely benign. Review status: criteria provided, multiple submitters, no conflicts (2 of 4 stars). 2 submissions from 2 submitters: Benign (1); Likely benign (1). Last evaluated 2025-01-16.

Conditions:
Hereditary cancer-predisposing syndrome. Also called: Hereditary Cancer Syndrome; Hereditary neoplastic syndrome; Tumor predisposition; Neoplastic Syndromes, Hereditary. Identifiers: Orphanet 140162, MedGen C0027672, MeSH D009386, MONDO:0015356.
Familial cancer of breast. Also called: BREAST CANCER, FAMILIAL; Hereditary breast cancer; hereditary breast carcinoma. Identifiers: Orphanet 227535, MedGen C0346153, MONDO:0016419, OMIM 114480. Disease mechanism: loss of function.

Submissions (2):

Myriad Genetics, Inc.
Classification: Benign for Familial cancer of breast. Last evaluated: 2025-01-16. Review status: criteria provided, single submitter. Criteria: Myriad Autosomal Dominant, Autosomal Recessive and X-Linked Classification Criteria (2023). Collection method: clinical testing. Allele origin: unknown.
Comment: This variant is considered benign. This variant is a silent/synonymous amino acid change and it is not expected to impact splicing.

Ambry Genetics
Classification: Likely benign for Hereditary cancer-predisposing syndrome. Last evaluated: 2020-03-06. Review status: criteria provided, single submitter. Criteria: Ambry Variant Classification Scheme 2023. Collection method: clinical testing. Allele origin: germline.

NM_024675.4(PALB2):c.2421A>G (p.Pro807=)

Gene: PALB2 (partner and localizer of BRCA2; minus strand). Cytogenetic location: 16p12.2.
Variant type: single nucleotide variant.
Coding change: c.2421A>G on transcript NM_024675.4 (MANE Select); coding-DNA position 2421, A replaced by G.
Protein change: p.Pro807=; no amino-acid change (proline 807 retained).
Molecular consequence: synonymous variant. On other transcripts: intron variant (1).
Genome position (GRCh38, 1-based): chr16:23,629,733, T>C on the plus strand (A>G on the coding strand, the complement: PALB2 is on the minus strand). VCF-style: chr16-23629733-T-C. GRCh37 (hg19) VCF-style: chr16-23641054-T-C.
Other names: c.2361A>G, p.Pro787= (NM_001407296.1); c.2421A>G, p.Pro807= (NM_001407297.1, NM_001407298.1, NM_001407299.1 and 3 more transcripts); c.1536A>G, p.Pro512= (NM_001407304.1, NM_001407305.1, NM_001407306.1 and 5 more transcripts); c.633A>G, p.Pro211= (NM_001407312.1, NM_001407313.1); c.49-458A>G (NM_001407314.1).
Identifiers: ClinVar variation 1791020 (VCV001791020.3), dbSNP rs2506406483, ClinGen allele CA494460918.